The following is an entry in ClinVar:

ClinVar aggregate classification (germline): Uncertain significance (1 of 4 stars; one submission).

gnomAD v4.1: 17 of 1,612,890 alleles (0.0011%); highest among the groups gnomAD compares: African/African-American, 0.023%; no homozygotes.

Submission:

Ambry Genetics
Classification: Uncertain significance. Last evaluated: 2024-11-26. Review status: criteria provided, single submitter. Criteria: Ambry Variant Classification Scheme 2023. Collection method: clinical testing. Allele origin: germline.
Comment: The p.H900R variant (also known as c.2699A>G), located in coding exon 11 of the WNK2 gene, results from an A to G substitution at nucleotide position 2699. The histidine at codon 900 is replaced by arginine, an amino acid with highly similar properties. This amino acid position is conserved. In addition, this alteration is predicted to be tolerated by in silico analysis. Based on the available evidence, the clinical significance of this variant remains unclear.

NM_006648.4(WNK2):c.2699A>G (p.His900Arg)

Gene: WNK2 (WNK lysine deficient protein kinase 2; plus strand). Cytogenetic location: 9q22.31.
Variant type: single nucleotide variant.
Coding change: c.2699A>G on transcript NM_006648.4 (MANE Select); coding-DNA position 2699, A replaced by G.
Protein change: p.His900Arg; replaces histidine 900 with arginine.
Molecular consequence: missense variant.
Genome position (GRCh38, 1-based): chr9:93,259,247, A>G. VCF-style: chr9-93259247-A-G. GRCh37 (hg19) VCF-style: chr9-96021529-A-G.
Other names: c.2699A>G, p.His900Arg (NM_001282394.3); short protein forms H900R.
Identifiers: ClinVar variation 3470437 (VCV003470437.1).